The following is an entry in ClinVar:

ClinVar aggregate classification (germline): Likely benign (1 of 4 stars; one submission).

Conditions:
Age related macular degeneration 4. Identifiers: MedGen C1853147, MONDO:0012540, OMIM 610698.

gnomAD v4.1: 155 of 1,564,900 alleles (0.0099%); highest among the groups gnomAD compares: East Asian, 0.31%; 2 homozygotes.

Submission:

Genomenon, Inc
Classification: Likely benign for Age related macular degeneration 4. Last evaluated: 2025-10-02. Review status: criteria provided, single submitter. Criteria: Genomenon Sequence Variant Interpretation Standards - Updated. Collection method: curation. Allele origin: germline. Affected: yes.
Comment: CFH c.428-44A>T is an intronic variant located in intron 4. This variant has been observed in at least one proband affected with age-related macular degeneration (PMID:18421087). This variant’s allele frequency in gnomAD is greater than expected for this disorder. In conclusion, we classify CFH c.428-44A>T as a likely benign variant.

Literature cited by the submitters: PubMed 18421087.

NM_000186.4(CFH):c.428-44A>T

Gene: CFH (complement factor H; plus strand). Cytogenetic location: 1q31.3.
Variant type: single nucleotide variant.
Coding change: c.428-44A>T on transcript NM_000186.4 (MANE Select); 44 bases into the intron before coding-DNA position 428, A replaced by T.
Molecular consequence: intron variant.
Genome position (GRCh38, 1-based): chr1:196,677,432, A>T. VCF-style: chr1-196677432-A-T. GRCh37 (hg19) VCF-style: chr1-196646562-A-T.
Other names: c.428-44A>T (NM_001014975.3).
Identifiers: ClinVar variation 4291696 (VCV004291696.1).
Genomic context (GRCh38, chr1:196,677,432, plus strand): 5'-TAATTTCCTCCAATCTTATCCTGAGGATGATTTTATACATACACATATTTTTCACAATAA[A>T]CTTTTAAAATTCCATTAGAAAACATTACATGTATTTTCTTCAGTTGTGAAGTGTTTACCA-3'